The following is an entry in ClinVar:

ClinVar aggregate classification (germline): Uncertain significance. Review status: criteria provided, multiple submitters, no conflicts (2 of 4 stars). 2 submissions from 2 submitters: Uncertain significance (2). Last evaluated 2025-12-16.

Conditions:
Cardiovascular phenotype. Identifiers: MedGen CN230736.
Long QT syndrome (LQTS). Identifiers: MedGen C0023976, MeSH D008133, MONDO:0002442. Disease mechanism: loss of function. Inheritance: Various modes of inheritance.

Submissions (2):

Ambry Genetics
Classification: Uncertain significance for Cardiovascular phenotype. Last evaluated: 2025-12-16. Review status: criteria provided, single submitter. Criteria: Ambry Variant Classification Scheme 2023. Collection method: clinical testing. Allele origin: germline.
Comment: The p.S878N variant (also known as c.2633G>A), located in coding exon 24 of the ANK2 gene, results from a G to A substitution at nucleotide position 2633. The serine at codon 878 is replaced by asparagine, an amino acid with highly similar properties. This amino acid position is conserved. In addition, this alteration is predicted to be tolerated by in silico analysis. Based on the available evidence, the clinical significance of this variant remains unclear.

Labcorp Genetics (formerly Invitae), Labcorp
Classification: Uncertain significance for Long QT syndrome. Last evaluated: 2020-06-02. Review status: criteria provided, single submitter. Criteria: Invitae Variant Classification Sherloc (09022015). Collection method: clinical testing. Allele origin: germline.
Comment: This sequence change replaces serine with asparagine at codon 878 of the ANK2 protein (p.Ser878Asn). The serine residue is moderately conserved and there is a small physicochemical difference between serine and asparagine. This variant is not present in population databases (ExAC no frequency). This variant has not been reported in the literature in individuals with ANK2-related conditions. Algorithms developed to predict the effect of missense changes on protein structure and function are either unavailable or do not agree on the potential impact of this missense change (SIFT: "Deleterious"; PolyPhen-2: "Possibly Damaging"; Align-GVGD: "Class C0"). In summary, the available evidence is currently insufficient to determine the role of this variant in disease. Therefore, it has been classified as a Variant of Uncertain Significance.

NM_001148.6(ANK2):c.2633G>A (p.Ser878Asn)

Gene: ANK2 (ankyrin 2; plus strand). Cytogenetic location: 4q26.
Variant type: single nucleotide variant.
Coding change: c.2633G>A on transcript NM_001148.6 (MANE Select); coding-DNA position 2633, G replaced by A.
Protein change: p.Ser878Asn; replaces serine 878 with asparagine.
Molecular consequence: missense variant.
Genome position (GRCh38, 1-based): chr4:113,311,339, G>A. VCF-style: chr4-113311339-G-A. GRCh37 (hg19) VCF-style: chr4-114232495-G-A.
Other names: c.2570G>A, p.Ser857Asn (NM_001354256.2, NM_001354262.2, NM_001386143.1 and 10 more transcripts); c.2471G>A, p.Ser824Asn (NM_001354257.2, NM_001354253.2, NM_001354270.2 and 1 more transcripts); c.2633G>A, p.Ser878Asn (NM_001354258.2, NM_001354265.2, NM_020977.5 and 6 more transcripts); c.2447G>A, p.Ser816Asn (NM_001354260.2, NM_001354271.2, NM_001386151.1); c.2591G>A, p.Ser864Asn (NM_001354261.2, NM_001386160.1, NM_001386147.1); c.2546G>A, p.Ser849Asn (NM_001354264.2, NM_001354266.2, NM_001354267.2 and 10 more transcripts); c.2348G>A, p.Ser783Asn (NM_001354277.2, NM_001386157.1); c.260G>A, p.Ser87Asn (NM_001354278.2, NM_001354279.2, NM_001354280.2 and 2 more transcripts); and 10 more; short protein forms S750N, S783N, S808N, S812N, S816N, S824N, S845N, S849N.
Identifiers: ClinVar variation 1023891 (VCV001023891.6), dbSNP rs2079844190, ClinGen allele CA357927240.